The following is an entry in ClinVar:

NM_000429.3(MAT1A):c.926G>A (p.Gly309Glu)

Gene: MAT1A (methionine adenosyltransferase 1A; minus strand). Cytogenetic location: 10q22.3.
Variant type: single nucleotide variant.
Coding change: c.926G>A on transcript NM_000429.3 (MANE Select); coding-DNA position 926, G replaced by A.
Protein change: p.Gly309Glu; replaces glycine 309 with glutamic acid.
Molecular consequence: missense variant.
Genome position (GRCh38, 1-based): chr10:80,275,042, C>T on the plus strand (G>A on the coding strand, the complement: MAT1A is on the minus strand). VCF-style: chr10-80275042-C-T. GRCh37 (hg19) VCF-style: chr10-82034798-C-T.
Other names: short protein forms G309E.
Identifiers: ClinVar variation 2787752 (VCV002787752.3), dbSNP rs138806118, ClinGen allele CA5576666.
Genomic context (GRCh38, chr10:80,275,042, plus strand): 5'-CTGCAACAGGACGGTGGTGGGTGGAGGGGGCTTACCTGGACAAGCACTCTCCGGCAGAGC[C>T]CTGCTTTCACCAGAGACTTGGCCACCCAGCGGGCAGCATATGCAGCTGAGCGGTCTACCT-3'
Protein context (NP_000420.1, residues 299-319): RWVAKSLVKA[Gly309Glu]LCRRVLVQVS

ClinVar aggregate classification (germline): Uncertain significance (1 of 4 stars; one submission).

Conditions:
Hepatic methionine adenosyltransferase deficiency. Also called: Deficiency of methionine adenosyltransferase; MAT I/III DEFICIENCY; Isolated Persistent Hypermethioninemia; Methionine adenosyltransferase deficiency. Identifiers: Orphanet 168598, MedGen C0268621, MeSH C564683, MONDO:0009607, OMIM 250850.

Allele frequency attached by ClinVar (database versions not stated): TOPMed 0.00002; gnomAD 0.00002; ExAC 0.00004; ESP Exome Variant Server 0.00008.
gnomAD v4.1: 7 of 1,558,822 alleles (0.00045%); highest among the groups gnomAD compares: African/African-American, 0.0068%; no homozygotes.

Submission:

Labcorp Genetics (formerly Invitae), Labcorp
Classification: Uncertain significance for Hepatic methionine adenosyltransferase deficiency. Last evaluated: 2025-03-26. Review status: criteria provided, single submitter. Criteria: Invitae Variant Classification Sherloc (09022015). Collection method: clinical testing. Allele origin: germline.
Comment: This sequence change replaces glycine, which is neutral and non-polar, with glutamic acid, which is acidic and polar, at codon 309 of the MAT1A protein (p.Gly309Glu). The frequency data for this variant in the population databases is considered unreliable, as metrics indicate poor data quality at this position in the gnomAD database. This variant has not been reported in the literature in individuals affected with MAT1A-related conditions. ClinVar contains an entry for this variant (Variation ID: 2787752). Invitae Evidence Modeling of protein sequence and biophysical properties (such as structural, functional, and spatial information, amino acid conservation, physicochemical variation, residue mobility, and thermodynamic stability) indicates that this missense variant is not expected to disrupt MAT1A protein function with a negative predictive value of 80%. In summary, the available evidence is currently insufficient to determine the role of this variant in disease. Therefore, it has been classified as a Variant of Uncertain Significance.